The following is an entry in ClinVar:

ClinVar aggregate classification (germline): Uncertain significance (1 of 4 stars; one submission).

Conditions:
Primary ciliary dyskinesia 23 (CILD23). Also called: CILIARY DYSKINESIA, PRIMARY, 23, WITH OR WITHOUT SITUS INVERSUS. Identifiers: Orphanet 244, MedGen C3809548, MONDO:0014193, OMIM 615451.

Allele frequency attached by ClinVar (database versions not stated): gnomAD 0.00001; TOPMed 0.00001; ExAC 0.00002; gnomAD exomes 0.00002.
gnomAD v4.1: 29 of 1,614,112 alleles (0.0018%); highest among the groups gnomAD compares: East Asian, 0.0022%; no homozygotes.

Submission:

Labcorp Genetics (formerly Invitae), Labcorp
Classification: Uncertain significance for Primary ciliary dyskinesia 23. Last evaluated: 2023-06-13. Review status: criteria provided, single submitter. Criteria: Invitae Variant Classification Sherloc (09022015). Collection method: clinical testing. Allele origin: germline.
Comment: In summary, the available evidence is currently insufficient to determine the role of this variant in disease. Therefore, it has been classified as a Variant of Uncertain Significance. Algorithms developed to predict the effect of missense changes on protein structure and function output the following: SIFT: "Not Available"; PolyPhen-2: "Benign"; Align-GVGD: "Not Available". The valine amino acid residue is found in multiple mammalian species, which suggests that this missense change does not adversely affect protein function. ClinVar contains an entry for this variant (Variation ID: 1681379). This variant has not been reported in the literature in individuals affected with ARMC4-related conditions. This variant is present in population databases (rs756783412, gnomAD 0.003%). This sequence change replaces alanine, which is neutral and non-polar, with valine, which is neutral and non-polar, at codon 472 of the ARMC4 protein (p.Ala472Val).

NM_018076.5(ODAD2):c.1415C>T (p.Ala472Val)

Gene: ODAD2 (outer dynein arm docking complex subunit 2; minus strand). Cytogenetic location: 10p12.1.
Variant type: single nucleotide variant.
Coding change: c.1415C>T on transcript NM_018076.5 (MANE Select); coding-DNA position 1415, C replaced by T.
Protein change: p.Ala472Val; replaces alanine 472 with valine.
Molecular consequence: missense variant. On other transcripts: 5 prime UTR variant (1).
Genome position (GRCh38, 1-based): chr10:27,944,934, G>A on the plus strand (C>T on the coding strand, the complement: ODAD2 is on the minus strand). VCF-style: chr10-27944934-G-A. GRCh37 (hg19) VCF-style: chr10-28233863-G-A.
Other names: c.1415C>T, p.Ala472Val (NM_001290020.2); c.-11C>T (NM_001290021.2); c.491C>T, p.Ala164Val (NM_001312689.2); short protein forms A164V, A472V.
Identifiers: ClinVar variation 1681379 (VCV001681379.7), dbSNP rs756783412, ClinGen allele CA5453539.